The following is an entry in ClinVar:

NM_017635.5(KMT5B):c.2393dup (p.Asn798fs)

Gene: KMT5B (lysine methyltransferase 5B; minus strand). Cytogenetic location: 11q13.2.
Variant type: Duplication.
Coding change: c.2393dup on transcript NM_017635.5 (MANE Select); coding-DNA position 2393, one base duplicated (A; older notation c.2393dupA).
Protein change: p.Asn798fs; shifts the reading frame from asparagine 798.
Molecular consequence: frameshift variant.
Genome position (GRCh38, 1-based): chr11:68,157,953, T duplicated on the plus strand (A on the coding strand, the reverse complement: KMT5B is on the minus strand); the first of 4 consecutive T bases (chr11:68,157,953-68,157,956); duplicating any one gives the same sequence. VCF-style (leftmost placement, unchanged base first): chr11-68157952-A-AT. GRCh37 (hg19) VCF-style: chr11-67925419-A-AT.
Other names: c.1877dup, p.Asn626fs (NM_001300907.1, NM_001369428.1, NM_001369429.1 and 4 more transcripts); c.1673dup, p.Asn558fs (NM_001300908.2); c.2393dup, p.Asn798fs (NM_001369426.1); short protein forms N558fs, N626fs, N798fs.
Identifiers: ClinVar variation 1185561 (VCV001185561.2), dbSNP rs2153039995, ClinGen allele CA2499221255.

ClinVar aggregate classification (germline): Pathogenic (1 of 4 stars; one submission).

Conditions:
Intellectual disability. Also called: intellectual disabilities; Intellectual developmental disorder; Intellectual functioning disability. Identifiers: MedGen C3714756, MeSH D008607, MONDO:0001071, HP:0001249.

Submission:

Cytogénomique, Hospices Civils de Lyon
Classification: Pathogenic for Intellectual disability. Last evaluated: 2021-08-02. Review status: criteria provided, single submitter. Criteria: ACMG Guidelines, 2015. Collection method: clinical testing. Allele origin: de novo. Inheritance: Sporadic. Affected: yes. Observed: 1 variant allele, 1 heterozygote.
Comment: de novo frameshift variant.